The following is an entry in ClinVar:

ClinVar aggregate classification (germline): Uncertain significance. Review status: criteria provided, multiple submitters, no conflicts (2 of 4 stars). 3 submissions from 3 submitters: Uncertain significance (3). Last evaluated 2025-03-14.

Conditions:
Frasier syndrome. Identifiers: Orphanet 347, MedGen C0950122, MeSH D052159, MONDO:0007635, OMIM 136680.
Drash syndrome (DDS). Also called: NEPHROPATHY, WILMS TUMOR, AND GENITAL ANOMALIES; WILMS TUMOR AND PSEUDO- OR TRUE HERMAPHRODITISM. Identifiers: Orphanet 220, MedGen C0950121, MONDO:0008682, OMIM 194080.
Wilms tumor 1 (WT1). Also called: Wilms tumor, somatic. Identifiers: Orphanet 654, MedGen CN033288, MONDO:0008679, OMIM 194070.
11p partial monosomy syndrome (WAGR). Also called: WAGR Spectrum Disorder; WAGR Complex; WAGR syndrome; CHROMOSOME 11p13 DELETION SYNDROME. Identifiers: Orphanet 893, MedGen C0206115, MONDO:0008681, OMIM 194072.
Inborn genetic diseases. Identifiers: MedGen C0950123, MeSH D030342.

Allele frequency attached by ClinVar (database versions not stated): gnomAD exomes below 0.00001; TOPMed below 0.00001.
gnomAD v4.1: 2 of 1,614,016 alleles (0.00012%); highest among the groups gnomAD compares: Admixed American, 0.0033%; no homozygotes.

Submissions (3):

Ambry Genetics
Classification: Uncertain significance for Inborn genetic diseases. Last evaluated: 2025-03-14. Review status: criteria provided, single submitter. Criteria: Ambry Variant Classification Scheme 2023. Collection method: clinical testing. Allele origin: germline.
Comment: The c.1433-3C>A intronic variant results from a C to A substitution 3 nucleotides upstream from coding exon 10 in the WT1 gene. This nucleotide position is highly conserved in available vertebrate species. In silico splice site analysis predicts that this alteration may weaken the native splice acceptor site and may result in the creation or strengthening of a novel splice acceptor site. Based on the available evidence, the clinical significance of this variant remains unclear.

GeneDx
Classification: Uncertain significance. Last evaluated: 2024-09-16. Review status: criteria provided, single submitter. Criteria: GeneDx Variant Classification Process June 2021. Collection method: clinical testing. Allele origin: germline. Affected: yes.
Comment: Not observed at significant frequency in large population cohorts (gnomAD); In silico analysis supports a deleterious effect on splicing; Has not been previously published as pathogenic or benign to our knowledge

Labcorp Genetics (formerly Invitae), Labcorp
Classification: Uncertain significance for Wilms tumor 1; Drash syndrome; 11p partial monosomy syndrome; Frasier syndrome. Last evaluated: 2023-03-26. Review status: criteria provided, single submitter. Criteria: Invitae Variant Classification Sherloc (09022015). Collection method: clinical testing. Allele origin: germline.
Comment: This sequence change falls in intron 9 of the WT1 gene. It does not directly change the encoded amino acid sequence of the WT1 protein. It affects a nucleotide within the consensus splice site. This variant is present in population databases (no rsID available, gnomAD 0.003%). This variant has not been reported in the literature in individuals affected with WT1-related conditions. ClinVar contains an entry for this variant (Variation ID: 659292). Variants that disrupt the consensus splice site are a relatively common cause of aberrant splicing (PMID: 17576681, 9536098). Algorithms developed to predict the effect of sequence changes on RNA splicing suggest that this variant may disrupt the consensus splice site. In summary, the available evidence is currently insufficient to determine the role of this variant in disease. Therefore, it has been classified as a Variant of Uncertain Significance.

Literature cited by the submitters: PubMed 17576681 (cited by Labcorp Genetics (formerly Invitae), Labcorp); PubMed 9536098 (cited by Labcorp Genetics (formerly Invitae), Labcorp).

NM_024426.6(WT1):c.1448-3C>A

Gene: WT1 (WT1 transcription factor; minus strand). Cytogenetic location: 11p13.
Variant type: single nucleotide variant.
Coding change: c.1448-3C>A on transcript NM_024426.6 (MANE Select); 3 bases into the intron before coding-DNA position 1448, C replaced by A.
Molecular consequence: intron variant.
Genome position (GRCh38, 1-based): chr11:32,389,182, G>T on the plus strand (C>A on the coding strand, the complement: WT1 is on the minus strand). VCF-style: chr11-32389182-G-T. GRCh37 (hg19) VCF-style: chr11-32410728-G-T.
Other names: c.1274-3C>A (NM_001407050.1); c.1316-3C>A (NM_001407047.1); c.1307-3C>A (NM_001407048.1); c.1304-3C>A (NM_001407049.1); c.1388-3C>A (NM_000378.6); c.1397-3C>A (NM_001407045.1); c.1433-3C>A (NM_001407044.1); c.1355-3C>A (NM_001407046.1); and 5 more.
Identifiers: ClinVar variation 659292 (VCV000659292.11), dbSNP rs904330511, ClinGen allele CA219471743.